The following is an entry in ClinVar:

ClinVar aggregate classification (germline): Pathogenic (1 of 4 stars; one submission).

Conditions:
Polycystic kidney disease 4 (PKD4). Also called: POLYCYSTIC KIDNEY AND HEPATIC DISEASE 1; POLYCYSTIC KIDNEY DISEASE, INFANTILE, TYPE I; POLYCYSTIC KIDNEY DISEASE 4 WITH OR WITHOUT POLYCYSTIC LIVER DISEASE; PKD3; Autosomal Recessive Polycystic Kidney Disease – PKHD1. Identifiers: MedGen C4540575, MONDO:0033004, OMIM 263200.

Submission:

Myriad Genetics, Inc.
Classification: Pathogenic for Polycystic kidney disease 4. Last evaluated: 2023-09-27. Review status: criteria provided, single submitter. Criteria: Myriad Autosomal Dominant, Autosomal Recessive and X-Linked Classification Criteria (2023). Collection method: clinical testing. Allele origin: unknown.
Comment: NM_138694.3(PKHD1):c.2093dupG(L699Pfs*6) is expected to be pathogenic in the context of autosomal recessive polycystic kidney disease, PKHD1-related. This variant is predicted to lead to an abnormal or absent protein product due to the creation of a premature termination codon in PKHD1, a gene where loss-of-function variants are known to be pathogenic. Please note: this variant was assessed in the context of healthy population screening.

NM_138694.4(PKHD1):c.2093dup (p.Leu699fs)

Gene: PKHD1 (PKHD1 ciliary IPT domain containing fibrocystin/polyductin; minus strand). Cytogenetic location: 6p12.2.
Variant type: Duplication.
Coding change: c.2093dup on transcript NM_138694.4 (MANE Select); coding-DNA position 2093, one base duplicated (G; older notation c.2093dupG).
Protein change: p.Leu699fs; shifts the reading frame from leucine 699.
Molecular consequence: frameshift variant.
Genome position (GRCh38, 1-based): chr6:52,053,123, C duplicated on the plus strand (G on the coding strand, the reverse complement: PKHD1 is on the minus strand); the first of 3 consecutive C bases (chr6:52,053,123-52,053,125); duplicating any one gives the same sequence. VCF-style (leftmost placement, unchanged base first): chr6-52053122-G-GC. GRCh37 (hg19) VCF-style: chr6-51917920-G-GC.
Other names: c.2093dup, p.Leu699fs (NM_170724.3); short protein forms L699fs.
Identifiers: ClinVar variation 5012102 (VCV005012102.1).